The following is an entry in ClinVar:

ClinVar aggregate classification (germline): Uncertain significance. Review status: criteria provided, multiple submitters, no conflicts (2 of 4 stars). 2 submissions from 2 submitters: Uncertain significance (2). Last evaluated 2025-08-08.

Conditions:
COG5-congenital disorder of glycosylation. Also called: COG5-CDG; CONGENITAL DISORDER OF GLYCOSYLATION, TYPE IIi; CDG IIi. Identifiers: Orphanet 263487, MedGen C3150876, MONDO:0013325, OMIM 613612.
Inborn genetic diseases. Identifiers: MedGen C0950123, MeSH D030342.

Allele frequency attached by ClinVar (database versions not stated): gnomAD exomes 0.00001 and 0.00005; ExAC 0.00007; ESP Exome Variant Server 0.00015; TOPMed 0.00026; gnomAD 0.00027 and 0.00029; 1000 Genomes Project 30x 0.00062; 1000 Genomes Project 0.00080.
gnomAD v4.1: 58 of 1,612,016 alleles (0.0036%); highest among the groups gnomAD compares: African/African-American, 0.071%; no homozygotes.

Submissions (2):

Ambry Genetics
Classification: Uncertain significance for Inborn genetic diseases. Last evaluated: 2025-08-08. Review status: criteria provided, single submitter. Criteria: Ambry Variant Classification Scheme 2023. Collection method: clinical testing. Allele origin: germline.

Labcorp Genetics (formerly Invitae), Labcorp
Classification: Uncertain significance for COG5-congenital disorder of glycosylation. Last evaluated: 2023-12-22. Review status: criteria provided, single submitter. Criteria: Invitae Variant Classification Sherloc (09022015). Collection method: clinical testing. Allele origin: germline.
Comment: This sequence change replaces methionine, which is neutral and non-polar, with threonine, which is neutral and polar, at codon 338 of the COG5 protein (p.Met338Thr). This variant is present in population databases (rs372882041, gnomAD 0.09%). This variant has not been reported in the literature in individuals affected with COG5-related conditions. ClinVar contains an entry for this variant (Variation ID: 1419987). An algorithm developed to predict the effect of missense changes on protein structure and function (PolyPhen-2) suggests that this variant¬†is likely to be tolerated. In summary, the available evidence is currently insufficient to determine the role of this variant in disease. Therefore, it has been classified as a Variant of Uncertain Significance.

NM_006348.5(COG5):c.920T>C (p.Met307Thr)

Gene: COG5 (component of oligomeric golgi complex 5; minus strand). Cytogenetic location: 7q22.3.
Variant type: single nucleotide variant.
Coding change: c.920T>C on transcript NM_006348.5 (MANE Select); coding-DNA position 920, T replaced by C.
Protein change: p.Met307Thr; replaces methionine 307 with threonine.
Molecular consequence: missense variant. On other transcripts: intron variant (2).
Genome position (GRCh38, 1-based): chr7:107,362,336, A>G on the plus strand (T>C on the coding strand, the complement: COG5 is on the minus strand). VCF-style: chr7-107362336-A-G. GRCh37 (hg19) VCF-style: chr7-107002781-A-G.
Other names: c.1013T>C (NM_006348.3); c.920T>C, p.Met307Thr (NM_001161520.2, NM_001379511.1, NM_001379512.1 and 3 more transcripts); c.235-226T>C (NM_001379516.1); c.539-63990T>C (NM_001379515.1); short protein forms M307T.
Identifiers: ClinVar variation 1419987 (VCV001419987.5), dbSNP rs372882041, ClinGen allele CA4431071.